The following is an entry in ClinVar:

NM_031220.4(PITPNM3):c.43G>A (p.Gly15Ser)

Gene: PITPNM3 (PITPNM family member 3; minus strand). Cytogenetic location: 17p13.1.
Variant type: single nucleotide variant.
Coding change: c.43G>A on transcript NM_031220.4 (MANE Select); coding-DNA position 43, G replaced by A.
Protein change: p.Gly15Ser; replaces glycine 15 with serine.
Molecular consequence: missense variant.
Genome position (GRCh38, 1-based): chr17:6,538,062, C>T on the plus strand (G>A on the coding strand, the complement: PITPNM3 is on the minus strand). VCF-style: chr17-6538062-C-T. GRCh37 (hg19) VCF-style: chr17-6441382-C-T.
Other names: c.43G>A, p.Gly15Ser (NM_001165966.2); short protein forms G15S.
Identifiers: ClinVar variation 1949870 (VCV001949870.5), dbSNP rs762873144, ClinGen allele CA8329967.

ClinVar aggregate classification (germline): Uncertain significance (1 of 4 stars; one submission).

Allele frequency attached by ClinVar (database versions not stated): ExAC 0.00001; gnomAD exomes 0.00001; gnomAD 0.00003; TOPMed 0.00003.
gnomAD v4.1: 17 of 1,612,626 alleles (0.0011%); highest among the groups gnomAD compares: African/African-American, 0.004%; no homozygotes.

Submission:

Labcorp Genetics (formerly Invitae), Labcorp
Classification: Uncertain significance. Last evaluated: 2025-03-17. Review status: criteria provided, single submitter. Criteria: Invitae Variant Classification Sherloc (09022015). Collection method: clinical testing. Allele origin: germline.
Comment: This sequence change replaces glycine, which is neutral and non-polar, with serine, which is neutral and polar, at codon 15 of the PITPNM3 protein (p.Gly15Ser). This variant is present in population databases (rs762873144, gnomAD 0.008%). This variant has not been reported in the literature in individuals affected with PITPNM3-related conditions. ClinVar contains an entry for this variant (Variation ID: 1949870). Invitae Evidence Modeling of protein sequence and biophysical properties (such as structural, functional, and spatial information, amino acid conservation, physicochemical variation, residue mobility, and thermodynamic stability) indicates that this missense variant is not expected to disrupt PITPNM3 protein function with a negative predictive value of 80%. In summary, the available evidence is currently insufficient to determine the role of this variant in disease. Therefore, it has been classified as a Variant of Uncertain Significance.